The following is an entry in ClinVar:

ClinVar aggregate classification (germline): Uncertain significance. Review status: criteria provided, multiple submitters, no conflicts (2 of 4 stars). 2 submissions from 2 submitters: Uncertain significance (2). Last evaluated 2025-08-14.

Conditions:
Emery-Dreifuss muscular dystrophy 5, autosomal dominant (EDMD5). Also called: EMERY-DREIFUSS MUSCULAR DYSTROPHY 5. Identifiers: Orphanet 261, MedGen C2751805, MONDO:0013072, OMIM 612999.

Allele frequency attached by ClinVar (database versions not stated): gnomAD exomes below 0.00001; gnomAD 0.00001; TOPMed 0.00002.
gnomAD v4.1: 9 of 1,612,952 alleles (0.00056%); highest among the groups gnomAD compares: Admixed American, 0.01%; no homozygotes.

Submissions (2):

Labcorp Genetics (formerly Invitae), Labcorp
Classification: Uncertain significance for Emery-Dreifuss muscular dystrophy 5, autosomal dominant. Last evaluated: 2025-08-14. Review status: criteria provided, single submitter. Criteria: Invitae Variant Classification Sherloc (09022015). Collection method: clinical testing. Allele origin: germline.
Comment: This sequence change replaces lysine, which is basic and polar, with arginine, which is basic and polar, at codon 488 of the SYNE2 protein (p.Lys488Arg). This variant is present in population databases (no rsID available, gnomAD 0.003%). This variant has not been reported in the literature in individuals affected with SYNE2-related conditions. ClinVar contains an entry for this variant (Variation ID: 470936). An algorithm developed to predict the effect of missense changes on protein structure and function (PolyPhen-2) suggests that this variant is likely to be tolerated. Algorithms developed to predict the effect of sequence changes on RNA splicing suggest that this variant may disrupt the consensus splice site. In summary, the available evidence is currently insufficient to determine the role of this variant in disease. Therefore, it has been classified as a Variant of Uncertain Significance.

Women's Health and Genetics/Laboratory Corporation of America, LabCorp
Classification: Uncertain significance. Last evaluated: 2024-09-24. Review status: criteria provided, single submitter. Criteria: LabCorp Variant Classification Summary - May 2015. Collection method: clinical testing. Allele origin: germline.
Comment: Variant summary: SYNE2 c.1463A>G (p.Lys488Arg) results in a conservative amino acid change in the encoded protein sequence. Five of five in-silico tools predict a benign effect of the variant on protein function. The variant allele was found at a frequency of 4e-06 in 249382 control chromosomes. The available data on variant occurrences in the general population are insufficient to allow any conclusion about variant significance. To our knowledge, no occurrence of c.1463A>G in individuals affected with Autosomal Dominant Emery-Dreifuss Muscular Dystrophy 5 and no experimental evidence demonstrating its impact on protein function have been reported. ClinVar contains an entry for this variant (Variation ID: 470936). Based on the evidence outlined above, the variant was classified as uncertain significance.

NM_182914.3(SYNE2):c.1463A>G (p.Lys488Arg)

Gene: SYNE2 (spectrin repeat containing nuclear envelope protein 2; plus strand). Cytogenetic location: 14q23.2.
Variant type: single nucleotide variant.
Coding change: c.1463A>G on transcript NM_182914.3 (MANE Select); coding-DNA position 1463, A replaced by G.
Protein change: p.Lys488Arg; replaces lysine 488 with arginine.
Molecular consequence: missense variant.
Genome position (GRCh38, 1-based): chr14:63,978,908, A>G. VCF-style: chr14-63978908-A-G. GRCh37 (hg19) VCF-style: chr14-64445626-A-G.
Other names: c.1463A>G, p.Lys488Arg (NM_015180.6); short protein forms K488R.
Identifiers: ClinVar variation 470936 (VCV000470936.9), dbSNP rs1437677917, ClinGen allele CA389957007.